The following is an entry in ClinVar:

ClinVar aggregate classification (germline): Benign/Likely benign. Review status: criteria provided, multiple submitters, no conflicts (2 of 4 stars). 12 submissions from 9 submitters: Benign (11); Likely benign (1). Last evaluated 2026-08-01.

Conditions:
Hypogonadotropic hypogonadism 2 with or without anosmia (HH2). Also called: HYPOGONADOTROPIC HYPOGONADISM 2 WITHOUT ANOSMIA; HYPOGONADOTROPIC HYPOGONADISM 2 WITH OR WITHOUT ANOSMIA, SUSCEPTIBILITY TO; HYPOGONADOTROPIC HYPOGONADISM 2 WITHOUT ANOSMIA, SUSCEPTIBILITY TO; FGFR1-Related GnRH Deficiency (Kallmann Syndrome 2). Identifiers: Orphanet 478, MedGen C1563720, MONDO:0007844, OMIM 147950. Disease mechanism: loss of function.
Pfeiffer syndrome (ACS5). Also called: ACS V. Identifiers: Orphanet 710, MedGen C0220658, MONDO:0007043, OMIM 101600.
Osteoglophonic dysplasia (OGD). Also called: Osteoglophonic dwarfism. Identifiers: Orphanet 2645, MedGen C0432283, MONDO:0008150, OMIM 166250.
Encephalocraniocutaneous lipomatosis (ECCL). Identifiers: Orphanet 2396, MedGen C0406612, MONDO:0013074, OMIM 613001.
Trigonocephaly 1 (TRIGNO1). Identifiers: Orphanet 3366, MedGen C0432122, MONDO:0008603, OMIM 190440.
Jackson-Weiss syndrome (JWS). Also called: CRANIOSYNOSTOSIS, MIDFACIAL HYPOPLASIA, AND FOOT ABNORMALITIES. Identifiers: Orphanet 1540, MedGen C0795998, MONDO:0007400, OMIM 123150. Disease mechanism: loss of function.
Hartsfield-Bixler-Demyer syndrome (HRTFDS). Also called: Holoprosencephaly, ectrodactyly, and bilateral cleft lip/palate; Hartsfield syndrome; FGFR1-Related Hartsfield Syndrome. Identifiers: Orphanet 2117, MedGen C1845146, MONDO:0014196, OMIM 615465. Disease mechanism: loss of function.
Craniosynostosis syndrome. Also called: Craniosynostosis. Identifiers: Orphanet 1531, MedGen C0010278, MeSH D003398, MONDO:0015469, HP:0001363.

Allele frequency attached by ClinVar (database versions not stated): 1000 Genomes Project 0.00479; 1000 Genomes Project 30x 0.00515; ExAC 0.00661; gnomAD exomes 0.00668 and 0.00986; ESP Exome Variant Server 0.00700; gnomAD 0.00700 and 0.00711; TOPMed 0.00859.
gnomAD v4.1: 15,440 of 1,614,082 alleles (0.96%); highest among the groups gnomAD compares: Admixed American, 1.2%; 101 homozygotes.

Submissions (12):

CeGaT Center for Human Genetics Tuebingen
Classification: Benign. Last evaluated: 2026-08-01. Review status: criteria provided, single submitter. Criteria: CeGaT Center For Human Genetics Tuebingen Variant Classification Criteria Version 2. Collection method: clinical testing. Allele origin: germline. Affected: yes. Observed: 26 variant alleles.
Comment: FGFR1: BP4, BP7, BS1, BS2

Labcorp Genetics (formerly Invitae), Labcorp
Classification: Benign for Pfeiffer syndrome; Hypogonadotropic hypogonadism 2 with or without anosmia. Last evaluated: 2026-02-03. Review status: criteria provided, single submitter. Criteria: Invitae Variant Classification Sherloc (09022015). Collection method: clinical testing. Allele origin: germline.

Blueprint Genetics
Classification: Likely benign. Last evaluated: 2024-11-27. Review status: criteria provided, single submitter. Criteria: ACMG Guidelines, 2015. Collection method: clinical testing. Allele origin: germline.

ARUP Laboratories, Molecular Genetics and Genomics, ARUP Laboratories
Classification: Benign. Last evaluated: 2023-11-28. Review status: criteria provided, single submitter. Criteria: ARUP Molecular Germline Variant Investigation Process 2024. Collection method: clinical testing. Allele origin: germline.

Fulgent Genetics
Classification: Benign for Pfeiffer syndrome; Jackson-Weiss syndrome; Hypogonadotropic hypogonadism 2 with or without anosmia; Osteoglophonic dysplasia; Trigonocephaly 1; Encephalocraniocutaneous lipomatosis; Hartsfield-Bixler-Demyer syndrome. Last evaluated: 2021-07-15. Review status: criteria provided, single submitter. Criteria: ACMG Guidelines, 2015. Collection method: clinical testing. Allele origin: unknown.

Athena Diagnostics
Classification: Benign. Last evaluated: 2018-08-30. Review status: criteria provided, single submitter. Criteria: Athena Diagnostics Criteria. Collection method: clinical testing. Allele origin: germline.

Illumina Laboratory Services, Illumina
Classification: Benign for Trigonocephaly 1. Last evaluated: 2018-01-13. Review status: criteria provided, single submitter. Criteria: ICSL Variant Classification Criteria 13 December 2019. Collection method: clinical testing. Allele origin: germline.
Comment: This variant was observed in the ICSL laboratory as part of a predisposition screen in an ostensibly healthy population. It had not been previously curated by ICSL or reported in the Human Gene Mutation Database (HGMD: prior to June 1st, 2018), and was therefore a candidate for classification through an automated scoring system. Utilizing variant allele frequency, disease prevalence and penetrance estimates, and inheritance mode, an automated score was calculated to assess if this variant is too frequent to cause the disease. Based on the score and internal cut-off values, a variant classified as benign is not then subjected to further curation. The score for this variant resulted in a classification of benign for this disease.

Illumina Laboratory Services, Illumina
Classification: Benign for Hypogonadotropic hypogonadism 2 with or without anosmia. Last evaluated: 2018-01-13. Review status: criteria provided, single submitter. Criteria: ICSL Variant Classification Criteria 13 December 2019. Collection method: clinical testing. Allele origin: germline.
Comment: the same text as in the submission from Illumina Laboratory Services, Illumina above.

Illumina Laboratory Services, Illumina
Classification: Benign for Craniosynostosis. Last evaluated: 2018-01-13. Review status: criteria provided, single submitter. Criteria: ICSL Variant Classification Criteria 13 December 2019. Collection method: clinical testing. Allele origin: germline.
Comment: the same text as in the submission from Illumina Laboratory Services, Illumina above.

Illumina Laboratory Services, Illumina
Classification: Benign for Osteoglophonic dysplasia. Last evaluated: 2018-01-13. Review status: criteria provided, single submitter. Criteria: ICSL Variant Classification Criteria 13 December 2019. Collection method: clinical testing. Allele origin: germline.
Comment: the same text as in the submission from Illumina Laboratory Services, Illumina above.

GeneDx
Classification: Benign. Last evaluated: 2015-03-03. Review status: criteria provided, single submitter. Criteria: GeneDx Variant Classification Process June 2021. Collection method: clinical testing. Allele origin: germline. Affected: yes.

Breakthrough Genomics
Classification: Benign. Review status: criteria provided, single submitter. Criteria: ACMG Guidelines, 2015. Collection method: not provided. Allele origin: germline. Inheritance: Autosomal dominant inheritance. Affected: yes.

Literature cited by the submitters: PubMed 16764984 (cited by Athena Diagnostics); PubMed 17360555 (cited by Athena Diagnostics).

NM_023110.3(FGFR1):c.2262G>A (p.Leu754=)

Gene: FGFR1 (fibroblast growth factor receptor 1; minus strand). Cytogenetic location: 8p11.23.
Variant type: single nucleotide variant.
Coding change: c.2262G>A on transcript NM_023110.3 (MANE Select); coding-DNA position 2262, G replaced by A.
Protein change: p.Leu754=; no amino-acid change (leucine 754 retained).
Molecular consequence: synonymous variant.
Genome position (GRCh38, 1-based): chr8:38,413,948, C>T on the plus strand (G>A on the coding strand, the complement: FGFR1 is on the minus strand). VCF-style: chr8-38413948-C-T. GRCh37 (hg19) VCF-style: chr8-38271466-C-T.
Other names: c.2256G>A, p.Leu752= (NM_001174063.2, NM_001174065.2, NM_001354367.2 and 1 more transcripts); c.2232G>A, p.Leu744= (NM_001174064.2); c.1995G>A, p.Leu665= (NM_001174066.2, NM_023105.3); c.2355G>A, p.Leu785= (NM_001174067.2); c.1983G>A, p.Leu661= (NM_001354368.2); c.2250G>A, p.Leu750= (NM_001354369.2); c.1989G>A, p.Leu663= (NM_001354370.2, NM_023106.3).
Identifiers: ClinVar variation 362893 (VCV000362893.56), dbSNP rs56341011, ClinGen allele CA4718136.
Genomic context (GRCh38, chr8:38,413,948, plus strand): 5'-GAGCTCTGGCTCTGGCACGGGCAGCCTTACCTGGTTGGAGGTCAAGGCCACGATGCGGTC[C>T]AGGTCTTCCACCAGCTGCTTGAAGGTGGGTCTCTGTGAGGGCACTGCATGCCAGCAGTCC-3'
Protein context (NP_075598.2, residues 744-764): RPTFKQLVED[Leu754=]DRIVALTSNQ